The following is an entry in ClinVar:

ClinVar aggregate classification (germline): Uncertain significance (1 of 4 stars; one submission).

Conditions:
MEGF8-related Carpenter syndrome. Also called: Carpenter syndrome 2. Identifiers: Orphanet 65759, MedGen C3554247, MONDO:0013998, OMIM 614976.

gnomAD v4.1: 1 of 1,589,150 alleles (0.000063%); highest among the groups gnomAD compares: Non-Finnish European, 0.000086%; no homozygotes.

Submission:

Labcorp Genetics (formerly Invitae), Labcorp
Classification: Uncertain significance for MEGF8-related Carpenter syndrome. Last evaluated: 2024-10-22. Review status: criteria provided, single submitter. Criteria: Invitae Variant Classification Sherloc (09022015). Collection method: clinical testing. Allele origin: germline.
Comment: This sequence change replaces arginine, which is basic and polar, with glycine, which is neutral and non-polar, at codon 415 of the MEGF8 protein (p.Arg415Gly). This variant is not present in population databases (gnomAD no frequency). This variant has not been reported in the literature in individuals affected with MEGF8-related conditions. ClinVar contains an entry for this variant (Variation ID: 2016520). An algorithm developed to predict the effect of missense changes on protein structure and function (PolyPhen-2) suggests that this variant is likely to be disruptive. In summary, the available evidence is currently insufficient to determine the role of this variant in disease. Therefore, it has been classified as a Variant of Uncertain Significance.

NM_001271938.2(MEGF8):c.1243C>G (p.Arg415Gly)

Gene: MEGF8 (multiple EGF like domains 8; plus strand). Cytogenetic location: 19q13.2.
Variant type: single nucleotide variant.
Coding change: c.1243C>G on transcript NM_001271938.2 (MANE Select); coding-DNA position 1243, C replaced by G.
Protein change: p.Arg415Gly; replaces arginine 415 with glycine.
Molecular consequence: missense variant.
Genome position (GRCh38, 1-based): chr19:42,336,345, C>G. VCF-style: chr19-42336345-C-G. GRCh37 (hg19) VCF-style: chr19-42840497-C-G.
Other names: c.1243C>G, p.Arg415Gly (NM_001410.3); short protein forms R415G.
Identifiers: ClinVar variation 2016520 (VCV002016520.4), dbSNP rs775756534, ClinGen allele CA406086959.